The following is an entry in ClinVar:

NM_004370.6(COL12A1):c.3473T>C (p.Phe1158Ser)

Gene: COL12A1 (collagen type XII alpha 1 chain; minus strand). Cytogenetic location: 6q13.
Variant type: single nucleotide variant.
Coding change: c.3473T>C on transcript NM_004370.6 (MANE Select); coding-DNA position 3473, T replaced by C.
Protein change: p.Phe1158Ser; replaces phenylalanine 1158 with serine.
Molecular consequence: missense variant. On other transcripts: intron variant (2).
Genome position (GRCh38, 1-based): chr6:75,154,508, A>G on the plus strand (T>C on the coding strand, the complement: COL12A1 is on the minus strand). VCF-style: chr6-75154508-A-G. GRCh37 (hg19) VCF-style: chr6-75864224-A-G.
Other names: c.3473T>C, p.Phe1158Ser (NM_001424113.1, NM_001424114.1); c.3200T>C, p.Phe1067Ser (NM_001424115.1); c.74-2026T>C (NM_001424116.1, NM_080645.3); short protein forms F1158S, F1067S.
Identifiers: ClinVar variation 4788850 (VCV004788850.1).
Genomic context (GRCh38, chr6:75,154,508, plus strand): 5'-GAAAGGGTTGTCATTTCTTGTCCAACAAGTGGTGAGCTTTCTCCTCCATCAAACATTCCA[A>G]AAACATTTACTTTATAGGTGGTACCAGCCCTAAAATGTTAAAGTATATATATAGCCTGTG-3'
Protein context (NP_004361.3, residues 1148-1168): RAGTTYKVNV[Phe1158Ser]GMFDGGESSP

ClinVar aggregate classification (germline): Uncertain significance (1 of 4 stars; one submission).

Conditions:
Ullrich congenital muscular dystrophy 2 (UCMD2). Identifiers: Orphanet 75840, MedGen C4225314, MONDO:0014654, OMIM 616470.
Bethlem myopathy 2 (BTHLM2). Identifiers: Orphanet 536516, Orphanet 610, MedGen C4225313, MONDO:0034022, OMIM 616471.

Submission:

Labcorp Genetics (formerly Invitae), Labcorp
Classification: Uncertain significance for Bethlem myopathy 2; Ullrich congenital muscular dystrophy 2. Last evaluated: 2025-10-02. Review status: criteria provided, single submitter. Criteria: Invitae Variant Classification Sherloc (09022015). Collection method: clinical testing. Allele origin: germline.
Comment: This sequence change replaces phenylalanine, which is neutral and non-polar, with serine, which is neutral and polar, at codon 1158 of the COL12A1 protein (p.Phe1158Ser). This variant is not present in population databases (gnomAD no frequency). This variant has not been reported in the literature in individuals affected with COL12A1-related conditions. Invitae Evidence Modeling of protein sequence and biophysical properties (such as structural, functional, and spatial information, amino acid conservation, physicochemical variation, residue mobility, and thermodynamic stability) indicates that this missense variant is not expected to disrupt COL12A1 protein function with a negative predictive value of 80%. In summary, the available evidence is currently insufficient to determine the role of this variant in disease. Therefore, it has been classified as a Variant of Uncertain Significance.